The following is an entry in ClinVar:

ClinVar aggregate classification (germline): Uncertain significance (1 of 4 stars; one submission).

Submission:

Ambry Genetics
Classification: Uncertain significance. Last evaluated: 2026-05-15. Review status: criteria provided, single submitter. Criteria: Ambry Variant Classification Scheme 2023. Collection method: clinical testing. Allele origin: germline.
Comment: The p.G16A variant (also known as c.47G>C), located in coding exon 1 of the PALLD gene, results from a G to C substitution at nucleotide position 47. The glycine at codon 16 is replaced by alanine, an amino acid with similar properties. This amino acid position is conserved. In addition, this alteration is predicted to be tolerated by in silico analysis. Based on the available evidence, the clinical significance of this variant remains unclear.

NM_001166108.2(PALLD):c.1965-12984G>C

Gene: PALLD (palladin, cytoskeletal associated protein; plus strand). Cytogenetic location: 4q32.3.
Variant type: single nucleotide variant.
Coding change: c.1965-12984G>C on transcript NM_001166108.2 (MANE Select); 12984 bases into the intron before coding-DNA position 1965, G replaced by C.
Molecular consequence: intron variant. On other transcripts: missense variant (1).
Genome position (GRCh38, 1-based): chr4:168,877,938, G>C. VCF-style: chr4-168877938-G-C. GRCh37 (hg19) VCF-style: chr4-169799089-G-C.
Other names: c.47G>C, p.Gly16Ala (NM_001166110.2); c.1965-12984G>C (NM_016081.4); c.819-12984G>C (NM_001166109.2); c.-157-12984G>C (NM_001367570.1, NM_001367568.1, NM_001367567.1 and 1 more transcripts); short protein forms G16A.
Identifiers: ClinVar variation 4861557 (VCV004861557.1).
Genomic context (GRCh38, chr4:168,877,938, plus strand): 5'-CGTCCCCGGAGCCCATGAGCGCGCTGGCCTCCCGCTCCGCCCCCGCCATGCAGTCCTCCG[G>C]CTCCTTCAACTACGCGCGCCCCAAGCAGTTCATCGCCGCGCAGAACCTCGGGCCCGCGTC-3'